The following is an entry in ClinVar:

NM_152328.5(ADSS1):c.691A>G (p.Met231Val)

Gene: ADSS1 (adenylosuccinate synthase 1; plus strand). Cytogenetic location: 14q32.33.
Variant type: single nucleotide variant.
Coding change: c.691A>G on transcript NM_152328.5 (MANE Select); coding-DNA position 691, A replaced by G.
Protein change: p.Met231Val; replaces methionine 231 with valine.
Molecular consequence: missense variant.
Genome position (GRCh38, 1-based): chr14:104,741,141, A>G. VCF-style: chr14-104741141-A-G. GRCh37 (hg19) VCF-style: chr14-105207478-A-G.
Other names: c.76A>G, p.Met26Val (NM_001320424.1); c.820A>G, p.Met274Val (NM_199165.2); short protein forms M231V, M26V, M274V.
Identifiers: ClinVar variation 2187199 (VCV002187199.4), dbSNP rs774970978, ClinGen allele CA7373813.

ClinVar aggregate classification (germline): Uncertain significance (1 of 4 stars; one submission).

Allele frequency attached by ClinVar (database versions not stated): gnomAD exomes below 0.00001; ExAC 0.00001; TOPMed 0.00001; gnomAD 0.00002.
gnomAD v4.1: 9 of 1,609,212 alleles (0.00056%); highest among the groups gnomAD compares: African/African-American, 0.0027%; no homozygotes.

Submission:

Labcorp Genetics (formerly Invitae), Labcorp
Classification: Uncertain significance. Last evaluated: 2022-05-12. Review status: criteria provided, single submitter. Criteria: Invitae Variant Classification Sherloc (09022015). Collection method: clinical testing. Allele origin: germline.
Comment: Algorithms developed to predict the effect of missense changes on protein structure and function are either unavailable or do not agree on the potential impact of this missense change (SIFT: "Not Available"; PolyPhen-2: "Benign"; Align-GVGD: "Not Available"). In summary, the available evidence is currently insufficient to determine the role of this variant in disease. Therefore, it has been classified as a Variant of Uncertain Significance. This variant has not been reported in the literature in individuals affected with ADSSL1-related conditions. This variant is present in population databases (rs774970978, gnomAD 0.007%). This sequence change replaces methionine, which is neutral and non-polar, with valine, which is neutral and non-polar, at codon 274 of the ADSSL1 protein (p.Met274Val).